The following is an entry in ClinVar:

NM_000261.2(MYOC):c.539T>A (p.Leu180Gln)

Gene: MYOC (myocilin; minus strand). Cytogenetic location: 1q24.3.
Variant type: single nucleotide variant.
Coding change: c.539T>A on transcript NM_000261.2 (MANE Select); coding-DNA position 539, T replaced by A.
Protein change: p.Leu180Gln; replaces leucine 180 with glutamine.
Molecular consequence: missense variant.
Genome position (GRCh38, 1-based): chr1:171,652,073, A>T on the plus strand (T>A on the coding strand, the complement: MYOC is on the minus strand). VCF-style: chr1-171652073-A-T. GRCh37 (hg19) VCF-style: chr1-171621213-A-T.
Other names: NM_000261.2:c.539T>A; short protein forms L180Q.
Identifiers: ClinVar variation 1703213 (VCV001703213.2), dbSNP rs2527872919, ClinGen allele CA343717998.

ClinVar aggregate classification (germline): Uncertain significance (3 of 4 stars; one submission).

Conditions:
Open-angle glaucoma. Identifiers: MedGen C0017612, MONDO:0005338, HP:0012108.

Allele frequency attached by ClinVar (database versions not stated): gnomAD exomes below 0.00001.

Submission:

ClinGen Glaucoma Variant Curation Expert Panel
Classification: Uncertain significance for Open-angle glaucoma. Last evaluated: 2025-10-08. Review status: reviewed by expert panel. Criteria: ClinGen Glaucoma ACMG Specifications V2.0.0 Approved. Collection method: curation. Allele origin: germline. Inheritance: Autosomal dominant inheritance.
Comment: The c.539T>A variant in MYOC is a missense variant predicted to cause substitution of Leucine by Glutamine at amino acid 180 (p.Leu180Gln). The highest minor allele frequency of this variant was in the European (non-Finnish) genetic ancestry group of gnomAD (v4.1.0) = 0.0000008474 (1 allele out of 1,180,018), which met the ≤ 0.0001 threshold set for PM2_Supporting in a genetic ancestry group of at least 10,000 alleles. The REVEL score = 0.516, which was neither above nor below the thresholds for PP3 (≥ 0.644) or BP4 (≤ 0.290), predicting a damaging or benign impact on MYOC function. There was no functional evidence predicting a damaging or benign impact of this variant on MYOC function. Only 1 proband with primary open angle glaucoma had been reported (Pasutto et al, pers. comm.), not meeting the ≥ 2 probands threshold required to meet PS4_Supporting. In summary, this variant met the criteria to receive a score of 1 and to be classified as a variant of uncertain significance (uncertain significance classification range -1 to 5, adapted from PMID: 32720330) for primary open angle glaucoma based on the ACMG/AMP criteria met, as specified by the ClinGen Glaucoma VCEP (v2.0.0, 5 Dec 2024): PM2_Supporting.